The following is an entry in ClinVar:

ClinVar aggregate classification (germline): Pathogenic/Likely pathogenic. Review status: criteria provided, multiple submitters, no conflicts (2 of 4 stars). 4 submissions from 4 submitters: Pathogenic (3); Likely pathogenic (1). Last evaluated 2023-06-12.

Conditions:
Bardet-Biedl syndrome 3 (BBS3). Identifiers: Orphanet 110, MedGen C1859564, MONDO:0010832, OMIM 600151.
ARL6-related disorder. Also called: ARL6-related condition.
Retinitis pigmentosa 55 (RP55). Identifiers: Orphanet 791, MedGen C3150808, MONDO:0013312, OMIM 613575.
Bardet-Biedl syndrome (BBS). Identifiers: Orphanet 110, MedGen C0752166, MONDO:0015229.

Allele frequency attached by ClinVar (database versions not stated): gnomAD exomes below 0.00001; ExAC 0.00001.
gnomAD v4.1: 4 of 1,613,048 alleles (0.00025%); highest among the groups gnomAD compares: South Asian, 0.0044%; no homozygotes.

Submissions (4):

Labcorp Genetics (formerly Invitae), Labcorp
Classification: Pathogenic for Retinitis pigmentosa 55; Bardet-Biedl syndrome 3. Last evaluated: 2023-06-12. Review status: criteria provided, single submitter. Criteria: Invitae Variant Classification Sherloc (09022015). Collection method: clinical testing. Allele origin: germline.
Comment: This sequence change affects codon 178 of the ARL6 mRNA. It is a 'silent' change, meaning that it does not change the encoded amino acid sequence of the ARL6 protein. RNA analysis indicates that this variant induces altered splicing and likely disrupts the C-terminus of the protein. This variant is present in population databases (rs756341249, gnomAD 0.006%). This variant has been observed in individual(s) with Bardet-Biedl syndrome (PMID: 27708425). It has also been observed to segregate with disease in related individuals. ClinVar contains an entry for this variant (Variation ID: 1805423). Studies have shown that this variant results in skipping of exon 8 and introduces a new termination codon (PMID: 27708425). However the mRNA is not expected to undergo nonsense-mediated decay. For these reasons, this variant has been classified as Pathogenic.

Blueprint Genetics
Classification: Pathogenic for ARL6-related disorders. Last evaluated: 2022-07-05. Review status: criteria provided, single submitter. Criteria: ACMG Guidelines, 2015. Collection method: clinical testing. Allele origin: germline. Affected: yes. Observed: 2 variant alleles.

Victorian Clinical Genetics Services, Murdoch Childrens Research Institute
Classification: Pathogenic for Bardet-Biedl syndrome 3. Last evaluated: 2022-06-24. Review status: criteria provided, single submitter. Criteria: ACMG Guidelines, 2015. Collection method: clinical testing. Allele origin: germline. Inheritance: Autosomal recessive inheritance.
Comment: Based on the classification scheme VCGS_Germline_v1.3.4, this variant is classified as Pathogenic. Following criteria are met: 0102 - Loss of function is a known mechanism of disease in this gene and is associated with Bardet-Biedl syndrome 3 (MIM#600151) and retinitis pigmentosa 55 (MIM#613575). (I) 0106 - This gene is associated with autosomal recessive disease. (I) 0115 - Variants in this gene are known to have variable expressivity, associated with Bardet-Biedl syndrome 3 (MIM#600151) (OMIM). (I) 0209 - Splice region variant proven to affect splicing of the transcript with uncertain effect on protein sequence. Using a minigene assay, it was demonstrated that this variant resulted in deletion of exon 8 in the NM_032146 transcript, which corresponds to deletion of exon 7 in the ClinVar predominant transcript (NM_001278293). However, the effect of this deletion on the protein is currently unclear (PMID: 27708425). (SP) 0252 - This variant is homozygous. (I) 0304 - Variant is present in gnomAD (v2) <0.001 for a recessive condition (2 heterozygotes, 0 homozygotes) with a South Asian bias. (SP) 0508 - In silico predictions for abnormal splicing are inconclusive and affected nucleotide is highly conserved. Both in silico tools show a reduction in confidence of splicing for the donor splice site, when compared to wild type, but still predict that splicing would occur. (I) 0704 - Another variant comparable to the one identified in this case has limited previous evidence for pathogenicity. The NM_032146.5(ARL6):c.535G > A missense variant which has the same PhyLoP score as the variant of interest also results in skipping of exon 8. It is also a La Réunion Island Bardet-Biedl syndrome 3 (BBS) founder variant (PMID: 32361989). (SP) 0803 - This variant has limited previous evidence of pathogenicity in unrelated individuals. This variant has been reported in two families with Bardet-Biedl syndrome 3 (BBS) (PMIDs: 27708425, 34716235). (SP) 0901 - This variant has strong evidence for segregation with disease. This variant has been shown to segregate with disease in two families with BBS, whereby individuals homozygous for the variant are affected and heterozygous individuals remain unaffected (PMIDs: 27708425, 34716235). (SP) 1007 - No published functional evidence has been identified for this variant. (I) 1209 - This variant has been shown to be both maternally and paternally inherited (biallelic). (I) Legend: (SP) - Supporting pathogenic, (I) - Information, (SB) - Supporting benign

Cambridge Genomics Laboratory, East Genomic Laboratory Hub, NHS Genomic Medicine Service
Classification: Likely pathogenic for Bardet-Biedl syndrome. Last evaluated: 2020-03-20. Review status: criteria provided, single submitter. Criteria: ACGS Best Practice Guidelines for Variant Classification in Rare Disease 2020. Collection method: clinical testing. Allele origin: germline. Affected: yes. Observed: 1 variant allele.

Literature cited by the submitters: PubMed 27708425 (cited by Labcorp Genetics (formerly Invitae), Labcorp and Victorian Clinical Genetics Services, Murdoch Childrens Research Institute); PubMed 32361989 (cited by Victorian Clinical Genetics Services, Murdoch Childrens Research Institute); PubMed 34716235 (cited by Victorian Clinical Genetics Services, Murdoch Childrens Research Institute).

NM_001278293.3(ARL6):c.534A>G (p.Gln178=)

Gene: ARL6 (ARF like GTPase 6; plus strand). Cytogenetic location: 3q11.2.
Variant type: single nucleotide variant.
Coding change: c.534A>G on transcript NM_001278293.3 (MANE Select); coding-DNA position 534, A replaced by G.
Protein change: p.Gln178=; no amino-acid change (glutamine 178 retained).
Molecular consequence: synonymous variant. On other transcripts: non-coding transcript variant (6), intron variant (1).
Genome position (GRCh38, 1-based): chr3:97,791,825, A>G. VCF-style: chr3-97791825-A-G. GRCh37 (hg19) VCF-style: chr3-97510669-A-G.
Other names: c.534A>G, p.Gln178= (NM_001323513.2, NM_032146.5, NM_177976.3); c.479+3706A>G (NM_001323514.2).
Identifiers: ClinVar variation 1805423 (VCV001805423.6), dbSNP rs756341249, ClinGen allele CA2505992.